The following is an entry in ClinVar:

NM_003126.4(SPTA1):c.6046C>T (p.Arg2016Cys)

Gene: SPTA1 (spectrin alpha, erythrocytic 1; minus strand). Cytogenetic location: 1q23.1.
Variant type: single nucleotide variant.
Coding change: c.6046C>T on transcript NM_003126.4 (MANE Select); coding-DNA position 6046, C replaced by T.
Protein change: p.Arg2016Cys; replaces arginine 2016 with cysteine.
Molecular consequence: missense variant.
Genome position (GRCh38, 1-based): chr1:158,623,057, G>A on the plus strand (C>T on the coding strand, the complement: SPTA1 is on the minus strand). VCF-style: chr1-158623057-G-A. GRCh37 (hg19) VCF-style: chr1-158592847-G-A.
Other names: p.Arg2016Cys; short protein forms R2016C.
Identifiers: ClinVar variation 258951 (VCV000258951.32), dbSNP rs78394850, ClinGen allele CA1182097.

ClinVar aggregate classification (germline): Benign. Review status: criteria provided, multiple submitters, no conflicts (2 of 4 stars). 9 submissions from 7 submitters: Benign (9). Last evaluated 2026-02-03.

Conditions:
Hereditary spherocytosis type 3. Also called: SPTA1-Related Spherocytosis; Spherocytosis type 3. Identifiers: Orphanet 822, MedGen C2678338, MONDO:0010053, OMIM 270970.
Elliptocytosis 2 (EL2). Also called: ELLIPTOCYTOSIS, RHESUS-UNLINKED TYPE. Identifiers: Orphanet 288, MedGen C1851741, MONDO:0007533, OMIM 130600.
Pyropoikilocytosis, hereditary. Also called: Pyropoikilocytosis. Identifiers: MedGen C0520739, MONDO:0009948, OMIM 266140, HP:0004839. Disease mechanism: loss of function.

Allele frequency attached by ClinVar (database versions not stated): gnomAD exomes 0.02066 and 0.02950; gnomAD 0.05401 and 0.05585; ESP Exome Variant Server 0.05537; 1000 Genomes Project 30x 0.05731; TOPMed 0.05871; ExAC 0.03203; 1000 Genomes Project 0.05431.
gnomAD v4.1: 38,929 of 1,613,990 alleles (2.4%); highest among the groups gnomAD compares: African/African-American, 15%; 1,324 homozygotes.

Submissions (9):

Labcorp Genetics (formerly Invitae), Labcorp
Classification: Benign. Last evaluated: 2026-02-03. Review status: criteria provided, single submitter. Criteria: Invitae Variant Classification Sherloc (09022015). Collection method: clinical testing. Allele origin: germline.

ARUP Laboratories, Molecular Genetics and Genomics, ARUP Laboratories
Classification: Benign. Last evaluated: 2025-06-30. Review status: criteria provided, single submitter. Criteria: ARUP Molecular Germline Variant Investigation Process 2024. Collection method: clinical testing. Allele origin: germline.

Mayo Clinic Laboratories, Mayo Clinic
Classification: Benign. Last evaluated: 2022-05-16. Review status: criteria provided, single submitter. Criteria: ACMG Guidelines, 2015. Collection method: clinical testing. Allele origin: germline. Observed: 215 variant alleles.
Comment: BS1, BS2

GeneDx
Classification: Benign. Last evaluated: 2020-02-04. Review status: criteria provided, single submitter. Criteria: GeneDx Variant Classification Process June 2021. Collection method: clinical testing. Allele origin: germline. Affected: yes.
Comment: This variant is associated with the following publications: (PMID: 27884173, 24193021)

Illumina Laboratory Services, Illumina
Classification: Benign for Pyropoikilocytosis, hereditary. Last evaluated: 2018-01-13. Review status: criteria provided, single submitter. Criteria: ICSL Variant Classification Criteria 13 December 2019. Collection method: clinical testing. Allele origin: germline.
Comment: This variant was observed in the ICSL laboratory as part of a predisposition screen in an ostensibly healthy population. It had not been previously curated by ICSL or reported in the Human Gene Mutation Database (HGMD: prior to June 1st, 2018), and was therefore a candidate for classification through an automated scoring system. Utilizing variant allele frequency, disease prevalence and penetrance estimates, and inheritance mode, an automated score was calculated to assess if this variant is too frequent to cause the disease. Based on the score and internal cut-off values, a variant classified as benign is not then subjected to further curation. The score for this variant resulted in a classification of benign for this disease.

Illumina Laboratory Services, Illumina
Classification: Benign for Hereditary spherocytosis type 3. Last evaluated: 2018-01-13. Review status: criteria provided, single submitter. Criteria: ICSL Variant Classification Criteria 13 December 2019. Collection method: clinical testing. Allele origin: germline.
Comment: the same text as in the submission from Illumina Laboratory Services, Illumina above.

Illumina Laboratory Services, Illumina
Classification: Benign for Elliptocytosis 2. Last evaluated: 2018-01-13. Review status: criteria provided, single submitter. Criteria: ICSL Variant Classification Criteria 13 December 2019. Collection method: clinical testing. Allele origin: germline.
Comment: the same text as in the submission from Illumina Laboratory Services, Illumina above.

Breakthrough Genomics
Classification: Benign. Review status: criteria provided, single submitter. Criteria: ACMG Guidelines, 2015. Collection method: not provided. Allele origin: germline. Inheritance: Autosomal recessive inheritance. Affected: yes.

PreventionGenetics, part of Exact Sciences
Classification: Benign. Review status: criteria provided, single submitter. Criteria: ACMG Guidelines, 2015. Collection method: clinical testing. Allele origin: germline.